The following is an entry in ClinVar:

ClinVar aggregate classification (germline): Uncertain significance (1 of 4 stars; one submission).

Allele frequency attached by ClinVar (database versions not stated): gnomAD exomes below 0.00001.
gnomAD v4.1: 4 of 1,609,394 alleles (0.00025%); highest among the groups gnomAD compares: Non-Finnish European, 0.00034%; no homozygotes.

Submission:

CeGaT Center for Human Genetics Tuebingen
Classification: Uncertain significance. Last evaluated: 2024-02-01. Review status: criteria provided, single submitter. Criteria: CeGaT Center For Human Genetics Tuebingen Variant Classification Criteria Version 2. Collection method: clinical testing. Allele origin: germline. Affected: yes. Observed: 1 variant allele.
Comment: HADHA: PM2, BP4

NM_000182.5(HADHA):c.193A>G (p.Ser65Gly)

Gene: HADHA (hydroxyacyl-CoA dehydrogenase trifunctional multienzyme complex subunit alpha; minus strand). Cytogenetic location: 2p23.3.
Variant type: single nucleotide variant.
Coding change: c.193A>G on transcript NM_000182.5 (MANE Select); coding-DNA position 193, A replaced by G.
Protein change: p.Ser65Gly; replaces serine 65 with glycine.
Molecular consequence: missense variant.
Genome position (GRCh38, 1-based): chr2:26,236,976, T>C on the plus strand (A>G on the coding strand, the complement: HADHA is on the minus strand). VCF-style: chr2-26236976-T-C. GRCh37 (hg19) VCF-style: chr2-26459844-T-C.
Other names: short protein forms S65G.
Identifiers: ClinVar variation 3027262 (VCV003027262.22), dbSNP rs1344709551, ClinGen allele CA346094634.
Genomic context (GRCh38, chr2:26,236,976, plus strand): 5'-TTTGATCACTAGCCCAGATTTCATTCATAACTTCTGAGAACTCTGAATGTAGCTCTTTAC[T>C]CAGTGTATTTACCTGCCAAAGGGAAATATATACAGGTAAGGGTTTAAATTTGAAGCACTG-3'
Protein context (NP_000173.2, residues 55-75): NSPNSKVNTL[Ser65Gly]KELHSEFSEV